The following is an entry in ClinVar:

ClinVar aggregate classification (germline): Uncertain significance. Review status: criteria provided, multiple submitters, no conflicts (2 of 4 stars). 5 submissions from 5 submitters: Uncertain significance (5). Last evaluated 2026-10-09.

Conditions:
Hereditary cancer-predisposing syndrome. Also called: Hereditary Cancer Syndrome; Tumor predisposition; Neoplastic Syndromes, Hereditary; Hereditary neoplastic syndrome. Identifiers: Orphanet 140162, MedGen C0027672, MeSH D009386, MONDO:0015356.
Cardiovascular phenotype. Identifiers: MedGen CN230736.
Neurofibromatosis, type 1 (NF1). Also called: VON RECKLINGHAUSEN DISEASE; Peripheral type neurofibromatosis; Neurofibromatosis, type I; NEUROFIBROMATOSIS, TYPE I, SOMATIC. Identifiers: Orphanet 636, MedGen C0027831, MONDO:0018975, OMIM 162200. Disease mechanism: loss of function.
Juvenile myelomonocytic leukemia (JMML). Also called: LEUKEMIA, JUVENILE MYELOMONOCYTIC, SOMATIC. Identifiers: Orphanet 86834, MedGen C0349639, MONDO:0011908, OMIM 607785, HP:0012209.
Neurofibromatosis, familial spinal (FSNF). Identifiers: Orphanet 636, MedGen C1834235, MONDO:0008078, OMIM 162210. Disease mechanism: loss of function.
Neurofibromatosis-Noonan syndrome (NFNS). Also called: NEUROFIBROMATOSIS WITH NOONAN PHENOTYPE. Identifiers: Orphanet 638, MedGen C2931482, MONDO:0011035, OMIM 601321. Disease mechanism: loss of function.
Café-au-lait macules with pulmonary stenosis (WTSN). Also called: PULMONIC STENOSIS WITH CAFE-AU-LAIT SPOTS. Identifiers: MedGen C0553586, MONDO:0008672, OMIM 193520.

gnomAD v4.1: 2 of 1,613,816 alleles (0.00012%); no homozygotes.

Submissions (5):

GeneDx
Classification: Uncertain significance. Last evaluated: 2026-10-09. Review status: criteria provided, single submitter. Criteria: GeneDx Variant Classification Process June 2021. Collection method: clinical testing. Allele origin: germline.
Comment: Not observed at significant frequency in large population cohorts (gnomAD); In silico analysis suggests that this missense variant does not alter protein structure/function; Has not been previously published as pathogenic or benign to our knowledge

Fulgent Genetics
Classification: Uncertain significance for Neurofibromatosis, type 1; Neurofibromatosis, familial spinal; Café-au-lait macules with pulmonary stenosis; Neurofibromatosis-Noonan syndrome; Juvenile myelomonocytic leukemia. Last evaluated: 2024-04-23. Review status: criteria provided, single submitter. Criteria: ACMG Guidelines, 2015. Collection method: clinical testing. Allele origin: germline.

Ambry Genetics
Classification: Uncertain significance for Cardiovascular phenotype; Hereditary cancer-predisposing syndrome. Last evaluated: 2023-03-14. Review status: criteria provided, single submitter. Criteria: Ambry Variant Classification Scheme 2023. Collection method: clinical testing. Allele origin: germline.
Comment: The p.G444D variant (also known as c.1331G>A), located in coding exon 12 of the NF1 gene, results from a G to A substitution at nucleotide position 1331. The glycine at codon 444 is replaced by aspartic acid, an amino acid with similar properties. This amino acid position is not well conserved in available vertebrate species. In addition, the in silico prediction for this alteration is inconclusive. Since supporting evidence is limited at this time, the clinical significance of this alteration remains unclear.

Genome-Nilou Lab
Classification: Uncertain significance for Neurofibromatosis, type 1. Last evaluated: 2022-03-15. Review status: criteria provided, single submitter. Criteria: ACMG Guidelines, 2015. Collection method: clinical testing. Allele origin: germline. Affected: no.

Labcorp Genetics (formerly Invitae), Labcorp
Classification: Uncertain significance for Neurofibromatosis, type 1. Last evaluated: 2020-07-30. Review status: criteria provided, single submitter. Criteria: Invitae Variant Classification Sherloc (09022015). Collection method: clinical testing. Allele origin: germline.
Comment: In summary, the available evidence is currently insufficient to determine the role of this variant in disease. Therefore, it has been classified as a Variant of Uncertain Significance. Algorithms developed to predict the effect of missense changes on protein structure and function do not agree on the potential impact of this missense change (SIFT: "Deleterious"; PolyPhen-2: "Benign"; Align-GVGD: "Class C0"). This sequence change replaces glycine with aspartic acid at codon 444 of the NF1 protein (p.Gly444Asp). The glycine residue is moderately conserved and there is a moderate physicochemical difference between glycine and aspartic acid. This variant is not present in population databases (ExAC no frequency). This variant has not been reported in the literature in individuals with NF1-related disease. ClinVar contains an entry for this variant (Variation ID: 527456).

NM_001042492.3(NF1):c.1331G>A (p.Gly444Asp)

Gene: NF1 (neurofibromin 1; plus strand). Cytogenetic location: 17q11.2.
Variant type: single nucleotide variant.
Coding change: c.1331G>A on transcript NM_001042492.3 (MANE Select); coding-DNA position 1331, G replaced by A.
Protein change: p.Gly444Asp; replaces glycine 444 with aspartic acid.
Molecular consequence: missense variant.
Genome position (GRCh38, 1-based): chr17:31,206,310, G>A. VCF-style: chr17-31206310-G-A. GRCh37 (hg19) VCF-style: chr17-29533328-G-A.
Other names: c.1331G>A, p.Gly444Asp (NM_000267.4, NM_001128147.3); short protein forms G444D.
Identifiers: ClinVar variation 527456 (VCV000527456.14), dbSNP rs1555611582, ClinGen allele CA398999514.